The following is an entry in ClinVar:

ClinVar aggregate classification (germline): Uncertain significance (1 of 4 stars; one submission).

Conditions:
Frontotemporal dementia and/or amyotrophic lateral sclerosis 4. Also called: FTDALS4. Identifiers: Orphanet 275872, MedGen C4225325, MONDO:0014641, OMIM 616439.

gnomAD v4.1: 2 of 1,601,214 alleles (0.00012%); highest among the groups gnomAD compares: Non-Finnish European, 0.00017%; no homozygotes.

Submission:

Labcorp Genetics (formerly Invitae), Labcorp
Classification: Uncertain significance for Frontotemporal dementia and/or amyotrophic lateral sclerosis 4. Last evaluated: 2025-04-22. Review status: criteria provided, single submitter. Criteria: Invitae Variant Classification Sherloc (09022015). Collection method: clinical testing. Allele origin: germline.
Comment: This sequence change replaces isoleucine, which is neutral and non-polar, with threonine, which is neutral and polar, at codon 85 of the TBK1 protein (p.Ile85Thr). This variant is not present in population databases (gnomAD no frequency). This missense change has been observed in individual(s) with amyotrophic lateral sclerosis (PMID: 35896380). Invitae Evidence Modeling of protein sequence and biophysical properties (such as structural, functional, and spatial information, amino acid conservation, physicochemical variation, residue mobility, and thermodynamic stability) indicates that this missense variant is not expected to disrupt TBK1 protein function with a negative predictive value of 95%. In summary, the available evidence is currently insufficient to determine the role of this variant in disease. Therefore, it has been classified as a Variant of Uncertain Significance.

Literature cited by the submitters: PubMed 35896380.

NM_013254.4(TBK1):c.254T>C (p.Ile85Thr)

Gene: TBK1 (TANK binding kinase 1; plus strand). Cytogenetic location: 12q14.2.
Variant type: single nucleotide variant.
Coding change: c.254T>C on transcript NM_013254.4 (MANE Select); coding-DNA position 254, T replaced by C.
Protein change: p.Ile85Thr; replaces isoleucine 85 with threonine.
Molecular consequence: missense variant.
Genome position (GRCh38, 1-based): chr12:64,464,359, T>C. VCF-style: chr12-64464359-T-C. GRCh37 (hg19) VCF-style: chr12-64858139-T-C.
Other names: short protein forms I85T.
Identifiers: ClinVar variation 4796855 (VCV004796855.1).
Genomic context (GRCh38, chr12:64,464,359, plus strand): 5'-TATGTTGATTCCCAATCAATGATTTTTTTTTTCAGACAACAACAAGACATAAAGTACTTA[T>C]TATGGAATTTTGTCCATGTGGGAGTTTATACACTGTTTTAGAAGAACCTTCTAATGCCTA-3'
Protein context (NP_037386.1, residues 75-95): EETTTRHKVL[Ile85Thr]MEFCPCGSLY